The following is an entry in ClinVar:

NM_001374736.1(DST):c.4150A>G (p.Thr1384Ala)

Gene: DST (dystonin; minus strand). Cytogenetic location: 6p12.1.
Variant type: single nucleotide variant.
Coding change: c.4150A>G on transcript NM_001374736.1 (MANE Select); coding-DNA position 4150, A replaced by G.
Protein change: p.Thr1384Ala; replaces threonine 1384 with alanine.
Molecular consequence: missense variant.
Genome position (GRCh38, 1-based): chr6:56,630,376, T>C on the plus strand (A>G on the coding strand, the complement: DST is on the minus strand). VCF-style: chr6-56630376-T-C. GRCh37 (hg19) VCF-style: chr6-56495174-T-C.
Other names: c.4051A>G, p.Thr1351Ala (NM_001144769.5); c.3637A>G, p.Thr1213Ala (NM_001144770.2); c.4150A>G, p.Thr1384Ala (NM_001374722.1); c.3517A>G, p.Thr1173Ala (NM_001374729.1, NM_001374730.1, NM_001386100.1 and 1 more transcripts); c.4177A>G, p.Thr1393Ala (NM_001374734.1); c.2539A>G, p.Thr847Ala (NM_001723.7, NM_015548.5); short protein forms T1213A, T1384A, T1173A, T1351A, T1393A, T847A.
Identifiers: ClinVar variation 847867 (VCV000847867.10), dbSNP rs927752040, ClinGen allele CA139215319.

ClinVar aggregate classification (germline): Uncertain significance (1 of 4 stars; one submission).

Conditions:
Epidermolysis bullosa simplex 3, localized or generalized intermediate, with BP230 deficiency (EBS3). Also called: Epidermolysis bullosa simplex due to BP230 deficiency; Epidermolysis bullosa simplex, autosomal recessive 2. Identifiers: Orphanet 412181, MedGen C3809470, MONDO:0014180, OMIM 615425.
Hereditary sensory and autonomic neuropathy type 6. Also called: HSAN VI; Neuropathy, hereditary sensory and autonomic, type VI. Identifiers: Orphanet 314381, MedGen C3539003, MONDO:0013839, OMIM 614653.

Submission:

Labcorp Genetics (formerly Invitae), Labcorp
Classification: Uncertain significance for Epidermolysis bullosa simplex 3, localized or generalized intermediate, with BP230 deficiency; Hereditary sensory and autonomic neuropathy type 6. Last evaluated: 2023-10-03. Review status: criteria provided, single submitter. Criteria: Invitae Variant Classification Sherloc (09022015). Collection method: clinical testing. Allele origin: germline.
Comment: This sequence change replaces threonine, which is neutral and polar, with alanine, which is neutral and non-polar, at codon 847 of the DST protein (p.Thr847Ala). This variant is not present in population databases (gnomAD no frequency). This variant has not been reported in the literature in individuals affected with DST-related conditions. ClinVar contains an entry for this variant (Variation ID: 847867). An algorithm developed to predict the effect of missense changes on protein structure and function (PolyPhen-2) suggests that this variant is likely to be disruptive. In summary, the available evidence is currently insufficient to determine the role of this variant in disease. Therefore, it has been classified as a Variant of Uncertain Significance.